The following is an entry in ClinVar:

ClinVar aggregate classification (germline): Uncertain significance (1 of 4 stars; one submission).

Submission:

Labcorp Genetics (formerly Invitae), Labcorp
Classification: Uncertain significance. Last evaluated: 2025-11-16. Review status: criteria provided, single submitter. Criteria: Invitae Variant Classification Sherloc (09022015). Collection method: clinical testing. Allele origin: germline.
Comment: This sequence change replaces alanine, which is neutral and non-polar, with serine, which is neutral and polar, at codon 3217 of the SRCAP protein (p.Ala3217Ser). This variant is not present in population databases (gnomAD no frequency). This variant has not been reported in the literature in individuals affected with SRCAP-related conditions. Invitae Evidence Modeling of protein sequence and biophysical properties (such as structural, functional, and spatial information, amino acid conservation, physicochemical variation, residue mobility, and thermodynamic stability) indicates that this missense variant is not expected to disrupt SRCAP protein function with a negative predictive value of 80%. In summary, the available evidence is currently insufficient to determine the role of this variant in disease. Therefore, it has been classified as a Variant of Uncertain Significance.

NM_006662.3(SRCAP):c.9649G>T (p.Ala3217Ser)

Gene: SRCAP (Snf2 related CREBBP activator protein; plus strand). Cytogenetic location: 16p11.2.
Variant type: single nucleotide variant.
Coding change: c.9649G>T on transcript NM_006662.3 (MANE Select); coding-DNA position 9649, G replaced by T.
Protein change: p.Ala3217Ser; replaces alanine 3217 with serine.
Molecular consequence: missense variant.
Genome position (GRCh38, 1-based): chr16:30,739,689, G>T. VCF-style: chr16-30739689-G-T. GRCh37 (hg19) VCF-style: chr16-30751010-G-T.
Other names: short protein forms A3217S.
Identifiers: ClinVar variation 4746117 (VCV004746117.1).